The following is an entry in ClinVar:

NM_000312.4(PROC):c.916G>T (p.Ala306Ser)

Gene: PROC (protein C, inactivator of coagulation factors Va and VIIIa; plus strand). Cytogenetic location: 2q14.3.
Variant type: single nucleotide variant.
Coding change: c.916G>T on transcript NM_000312.4 (MANE Select); coding-DNA position 916, G replaced by T.
Protein change: p.Ala306Ser; replaces alanine 306 with serine.
Molecular consequence: missense variant.
Genome position (GRCh38, 1-based): chr2:127,428,476, G>T. VCF-style: chr2-127428476-G-T. GRCh37 (hg19) VCF-style: chr2-128186052-G-T.
Other names: c.1099G>T, p.Ala367Ser (NM_001375602.1); c.1081G>T, p.Ala361Ser (NM_001375603.1); c.979G>T, p.Ala327Ser (NM_001375604.1); c.1018G>T, p.Ala340Ser (NM_001375605.1); c.1084G>T, p.Ala362Ser (NM_001375606.1); c.1102G>T, p.Ala368Ser (NM_001375607.1); c.859G>T, p.Ala287Ser (NM_001375608.1); c.892G>T, p.Ala298Ser (NM_001375609.1); and 2 more; short protein forms A298S, A306S, A340S, A362S, A368S, A327S, A367S, A287S.
Identifiers: ClinVar variation 939102 (VCV000939102.9), dbSNP rs1688673188, ClinGen allele CA348404824.

ClinVar aggregate classification (germline): Uncertain significance (1 of 4 stars; one submission).

Conditions:
Thrombophilia due to protein C deficiency, autosomal dominant. Also called: PROTEIN C DEFICIENCY, AUTOSOMAL DOMINANT; PROC DEFICIENCY, AUTOSOMAL DOMINANT. Identifiers: Orphanet 745, MedGen C2674321, MONDO:0008316, OMIM 176860. Disease mechanism: loss of function.

Submission:

Labcorp Genetics (formerly Invitae), Labcorp
Classification: Uncertain significance for Thrombophilia due to protein C deficiency, autosomal dominant. Last evaluated: 2019-08-26. Review status: criteria provided, single submitter. Criteria: Invitae Variant Classification Sherloc (09022015). Collection method: clinical testing. Allele origin: germline.
Comment: This variant is not present in population databases (ExAC no frequency). In summary, the available evidence is currently insufficient to determine the role of this variant in disease. Therefore, it has been classified as a Variant of Uncertain Significance. Algorithms developed to predict the effect of missense changes on protein structure and function (SIFT, PolyPhen-2, Align-GVGD) all suggest that this variant is likely to be tolerated, but these predictions have not been confirmed by published functional studies and their clinical significance is uncertain. This variant has not been reported in the literature in individuals with PROC-related conditions. This sequence change replaces alanine with serine at codon 306 of the PROC protein (p.Ala306Ser). The alanine residue is moderately conserved and there is a moderate physicochemical difference between alanine and serine.